The following is an entry in ClinVar:

NM_133510.4(RAD51B):c.290G>A (p.Gly97Asp)

Gene: RAD51B (RAD51 paralog B; plus strand). Cytogenetic location: 14q24.1.
Variant type: single nucleotide variant.
Coding change: c.290G>A on transcript NM_133510.4 (MANE Select); coding-DNA position 290, G replaced by A.
Protein change: p.Gly97Asp; replaces glycine 97 with aspartic acid.
Molecular consequence: missense variant. On other transcripts: 5 prime UTR variant (1).
Genome position (GRCh38, 1-based): chr14:67,835,171, G>A. VCF-style: chr14-67835171-G-A. GRCh37 (hg19) VCF-style: chr14-68301888-G-A.
Other names: c.290G>A, p.Gly97Asp (NM_001321809.2, NM_001321810.2, NM_001321812.1 and 6 more transcripts); c.176G>A, p.Gly59Asp (NM_001321815.1); c.-166G>A (NM_001321817.2); short protein forms G59D, G97D.
Identifiers: ClinVar variation 3786389 (VCV003786389.1).
Genomic context (GRCh38, chr14:67,835,171, plus strand): 5'-ATTTCTCACCAGCATTCTTATCTACTACCCTTTCTGCTTTGGACGAAGCCCTGCATGGTG[G>A]TGTGGCTTGTGGATCCCTCACAGAGGTAAAGGAAAAATTTTTCGTACCTTCTTCCATTGA-3'
Protein context (NP_598194.1, residues 87-107): LSALDEALHG[Gly97Asp]VACGSLTEIT

ClinVar aggregate classification (germline): Uncertain significance (1 of 4 stars; one submission).

Submission:

Ambry Genetics
Classification: Uncertain significance. Last evaluated: 2024-12-20. Review status: criteria provided, single submitter. Criteria: Ambry Variant Classification Scheme 2023. Collection method: clinical testing. Allele origin: germline.
Comment: The p.G97D variant (also known as c.290G>A), located in coding exon 3 of the RAD51B gene, results from a G to A substitution at nucleotide position 290. The glycine at codon 97 is replaced by aspartic acid, an amino acid with similar properties. This amino acid position is conserved. In addition, this alteration is predicted to be deleterious by in silico analysis. Based on the available evidence, the clinical significance of this variant remains unclear.